The following is an entry in ClinVar:

NM_001374736.1(DST):c.19108C>G (p.Leu6370Val)

Gene: DST (dystonin; minus strand). Cytogenetic location: 6p12.1.
Variant type: single nucleotide variant.
Coding change: c.19108C>G on transcript NM_001374736.1 (MANE Select); coding-DNA position 19108, C replaced by G.
Protein change: p.Leu6370Val; replaces leucine 6370 with valine.
Molecular consequence: missense variant.
Genome position (GRCh38, 1-based): chr6:56,508,660, G>C on the plus strand (C>G on the coding strand, the complement: DST is on the minus strand). VCF-style: chr6-56508660-G-C. GRCh37 (hg19) VCF-style: chr6-56373458-G-C.
Other names: c.12751C>G, p.Leu4251Val (NM_001144769.5); c.12337C>G, p.Leu4113Val (NM_001144770.2); c.19108C>G, p.Leu6370Val (NM_001374722.1); c.18148C>G, p.Leu6050Val (NM_001374729.1); c.11890C>G, p.Leu3964Val (NM_001374730.1); c.19135C>G, p.Leu6379Val (NM_001374734.1); c.12217C>G, p.Leu4073Val (NM_001386100.1, NM_183380.4); c.11239C>G, p.Leu3747Val (NM_015548.5); short protein forms L3747V, L3964V, L4073V, L4113V, L4251V, L6050V, L6370V, L6379V.
Identifiers: ClinVar variation 1003057 (VCV001003057.7), dbSNP rs2096398026, ClinGen allele CA364523611.

ClinVar aggregate classification (germline): Uncertain significance (1 of 4 stars; one submission).

Conditions:
Hereditary sensory and autonomic neuropathy type 6. Also called: HSAN VI; Neuropathy, hereditary sensory and autonomic, type VI. Identifiers: Orphanet 314381, MedGen C3539003, MONDO:0013839, OMIM 614653.
Epidermolysis bullosa simplex 3, localized or generalized intermediate, with BP230 deficiency (EBS3). Also called: Epidermolysis bullosa simplex due to BP230 deficiency; Epidermolysis bullosa simplex, autosomal recessive 2. Identifiers: Orphanet 412181, MedGen C3809470, MONDO:0014180, OMIM 615425.

Submission:

Labcorp Genetics (formerly Invitae), Labcorp
Classification: Uncertain significance for Epidermolysis bullosa simplex 3, localized or generalized intermediate, with BP230 deficiency; Hereditary sensory and autonomic neuropathy type 6. Last evaluated: 2020-08-17. Review status: criteria provided, single submitter. Criteria: Invitae Variant Classification Sherloc (09022015). Collection method: clinical testing. Allele origin: germline.
Comment: Algorithms developed to predict the effect of sequence changes on RNA splicing suggest that this variant may create or strengthen a splice site, but this prediction has not been confirmed by published transcriptional studies. In summary, the available evidence is currently insufficient to determine the role of this variant in disease. Therefore, it has been classified as a Variant of Uncertain Significance. This sequence change replaces leucine with valine at codon 3747 of the DST protein (p.Leu3747Val). The leucine residue is moderately conserved and there is a small physicochemical difference between the two amino acids. The DST gene has multiple clinically relevant transcripts. This variant occurs in alternate transcript NM_015548.4, and corresponds to NM_001723.5:c.*106857C>G in the primary transcript. This variant has not been reported in the literature in individuals with DST-related conditions. This variant is not present in population databases (ExAC no frequency).